The following is an entry in ClinVar:

NM_001393986.1(PRDM2):c.4758T>C (p.His1586=)

Gene: PRDM2 (PR/SET domain 2; plus strand). Cytogenetic location: 1p36.21.
Variant type: single nucleotide variant.
Coding change: c.4758T>C on transcript NM_001393986.1 (MANE Select); coding-DNA position 4758, T replaced by C.
Protein change: p.His1586=; no amino-acid change (histidine 1586 retained).
Molecular consequence: synonymous variant. On other transcripts: intron variant (1).
Genome position (GRCh38, 1-based): chr1:13,782,553, T>C. VCF-style: chr1-13782553-T-C. GRCh37 (hg19) VCF-style: chr1-14109048-T-C.
Other names: c.4155T>C, p.His1385= (NM_001007257.3, NM_001393987.1, NM_001393988.1); c.4758T>C, p.His1586= (NM_012231.5, NM_015866.6); c.511+33066T>C (NM_001135610.2).
Identifiers: ClinVar variation 2638290 (VCV002638290.24), dbSNP rs148566200, ClinGen allele CA611040.

ClinVar aggregate classification (germline): Likely benign (1 of 4 stars; one submission).

Allele frequency attached by ClinVar (database versions not stated): 1000 Genomes Project 0.00080; 1000 Genomes Project 30x 0.00109; ESP Exome Variant Server 0.00169; TOPMed 0.00182.
gnomAD v4.1: 470 of 1,614,090 alleles (0.029%); highest among the groups gnomAD compares: African/African-American, 0.52%; 1 homozygote.

Submission:

CeGaT Center for Human Genetics Tuebingen
Classification: Likely benign. Last evaluated: 2022-04-01. Review status: criteria provided, single submitter. Criteria: CeGaT Center For Human Genetics Tuebingen Variant Classification Criteria Version 2. Collection method: clinical testing. Allele origin: germline. Affected: yes. Observed: 1 variant allele.
Comment: PRDM2: BP4, BP7